The following is an entry in ClinVar:

ClinVar aggregate classification (germline): Uncertain significance (1 of 4 stars; one submission).

Conditions:
Inborn genetic diseases. Identifiers: MedGen C0950123, MeSH D030342.

Submission:

Ambry Genetics
Classification: Uncertain significance for Inborn genetic diseases. Last evaluated: 2026-05-22. Review status: criteria provided, single submitter. Criteria: Ambry Variant Classification Scheme 2023. Collection method: clinical testing. Allele origin: germline.
Comment: The p.E417G variant (also known as c.1250A>G), located in coding exon 12 of the DDX41 gene, results from an A to G substitution at nucleotide position 1250. The glutamic acid at codon 417 is replaced by glycine, an amino acid with similar properties. This amino acid position is conserved. In addition, this alteration is predicted to be deleterious by in silico analysis. Based on the available evidence, the clinical significance of this variant remains unclear.

NM_016222.4(DDX41):c.1250A>G (p.Glu417Gly)

Gene: DDX41 (DEAD-box helicase 41; minus strand). Cytogenetic location: 5q35.3.
Variant type: single nucleotide variant.
Coding change: c.1250A>G on transcript NM_016222.4 (MANE Select); coding-DNA position 1250, A replaced by G.
Protein change: p.Glu417Gly; replaces glutamic acid 417 with glycine.
Molecular consequence: missense variant.
Genome position (GRCh38, 1-based): chr5:177,513,063, T>C on the plus strand (A>G on the coding strand, the complement: DDX41 is on the minus strand). VCF-style: chr5-177513063-T-C. GRCh37 (hg19) VCF-style: chr5-176940064-T-C.
Other names: c.872A>G, p.Glu291Gly (NM_001321732.2, NM_001321830.2); short protein forms E291G, E417G.
Identifiers: ClinVar variation 4869684 (VCV004869684.1).